The following is an entry in ClinVar:

NM_001135651.3(EIF2AK2):c.80A>G (p.Tyr27Cys)

Gene: EIF2AK2 (eukaryotic translation initiation factor 2 alpha kinase 2; minus strand). Cytogenetic location: 2p22.2.
Variant type: single nucleotide variant.
Coding change: c.80A>G on transcript NM_001135651.3 (MANE Select); coding-DNA position 80, A replaced by G.
Protein change: p.Tyr27Cys; replaces tyrosine 27 with cysteine.
Molecular consequence: missense variant.
Genome position (GRCh38, 1-based): chr2:37,147,727, T>C on the plus strand (A>G on the coding strand, the complement: EIF2AK2 is on the minus strand). VCF-style: chr2-37147727-T-C. GRCh37 (hg19) VCF-style: chr2-37374870-T-C.
Other names: c.80A>G, p.Tyr27Cys (NM_001135652.3, NM_002759.4); short protein forms Y27C.
Identifiers: ClinVar variation 3777274 (VCV003777274.1).

ClinVar aggregate classification (germline): Uncertain significance (1 of 4 stars; one submission).

Submission:

GeneDx
Classification: Uncertain significance. Last evaluated: 2024-10-14. Review status: criteria provided, single submitter. Criteria: GeneDx Variant Classification Process June 2021. Collection method: clinical testing. Allele origin: germline. Affected: yes.
Comment: Not observed at significant frequency in large population cohorts (gnomAD); In silico analysis supports that this missense variant has a deleterious effect on protein structure/function; Has not been previously published as pathogenic or benign to our knowledge